The following is an entry in ClinVar:

ClinVar aggregate classification (germline): Uncertain significance (1 of 4 stars; one submission).

Allele frequency attached by ClinVar (database versions not stated): gnomAD exomes below 0.00001; gnomAD 0.00001; TOPMed 0.00001.
gnomAD v4.1: 3 of 1,613,918 alleles (0.00019%); highest among the groups gnomAD compares: African/African-American, 0.0013%; no homozygotes.

Submission:

Labcorp Genetics (formerly Invitae), Labcorp
Classification: Uncertain significance. Last evaluated: 2022-11-17. Review status: criteria provided, single submitter. Criteria: Invitae Variant Classification Sherloc (09022015). Collection method: clinical testing. Allele origin: germline.
Comment: In summary, the available evidence is currently insufficient to determine the role of this variant in disease. Therefore, it has been classified as a Variant of Uncertain Significance. Algorithms developed to predict the effect of missense changes on protein structure and function output the following: SIFT: "Tolerated"; PolyPhen-2: "Benign"; Align-GVGD: "Class C0". The asparagine amino acid residue is found in multiple mammalian species, which suggests that this missense change does not adversely affect protein function. ClinVar contains an entry for this variant (Variation ID: 1053044). This variant has not been reported in the literature in individuals affected with WHRN-related conditions. This variant is not present in population databases (gnomAD no frequency). This sequence change replaces aspartic acid, which is acidic and polar, with asparagine, which is neutral and polar, at codon 286 of the WHRN protein (p.Asp286Asn).

NM_015404.4(WHRN):c.856G>A (p.Asp286Asn)

Gene: WHRN (whirlin; minus strand). Cytogenetic location: 9q32.
Variant type: single nucleotide variant.
Coding change: c.856G>A on transcript NM_015404.4 (MANE Select); coding-DNA position 856, G replaced by A.
Protein change: p.Asp286Asn; replaces aspartic acid 286 with asparagine.
Molecular consequence: missense variant. On other transcripts: 5 prime UTR variant (1).
Genome position (GRCh38, 1-based): chr9:114,466,374, C>T on the plus strand (G>A on the coding strand, the complement: WHRN is on the minus strand). VCF-style: chr9-114466374-C-T. GRCh37 (hg19) VCF-style: chr9-117228654-C-T.
Other names: c.-294G>A (NM_001083885.3); c.856G>A, p.Asp286Asn (NM_001173425.2); short protein forms D286N.
Identifiers: ClinVar variation 1053044 (VCV001053044.7), dbSNP rs1840694003, ClinGen allele CA374619785.